The following is an entry in ClinVar:

ClinVar aggregate classification (germline): Likely pathogenic (1 of 4 stars; one submission).

Conditions:
Mitochondrial myopathy, episodic, with optic atrophy and reversible leukoencephalopathy. Also called: MITOCHONDRIAL MYOPATHY, EPISODIC, WITH OR WITHOUT OPTIC ATROPHY AND REVERSIBLE LEUKOENCEPHALOPATHY; MULTIPLE MITOCHONDRIAL DYSFUNCTIONS SYNDROME 8. Identifiers: MedGen C5193223, MONDO:0020714, OMIM 251900.

Submission:

3billion
Classification: Likely pathogenic for Mitochondrial myopathy, episodic, with optic atrophy and reversible leukoencephalopathy. Last evaluated: 2025-05-08. Review status: criteria provided, single submitter. Criteria: ACMG Guidelines, 2015. Collection method: clinical testing. Allele origin: germline. Affected: yes.
Comment: The variant is observed at an extremely low frequency in the gnomAD v4.1.0 dataset (total allele frequency: <0.001%). Predicted Consequence/Location: Stop-gained (nonsense): predicted to result in a loss or disruption of normal protein function through protein truncation. The predicted truncated protein may be shortened by more than 10%. Therefore, this variant is classified as Likely pathogenic according to the recommendation of ACMG/AMP guideline.

NM_001397406.1(FDX2):c.487G>T (p.Glu163Ter)

Genes: FDX2 (ferredoxin 2; minus strand), FDX2-ZGLP1 (FDX2-ZGLP1 readthrough (NMD candidate); minus strand). Cytogenetic location: 19p13.2.
Variant type: single nucleotide variant.
Coding change: c.487G>T on transcript NM_001397406.1 (MANE Select); coding-DNA position 487, G replaced by T.
Protein change: p.Glu163Ter; replaces glutamic acid 163 with a stop codon.
Molecular consequence: nonsense. On other transcripts: non-coding transcript variant (2).
Genome position (GRCh38, 1-based): chr19:10,310,551, C>A on the plus strand (G>T on the coding strand, the complement: FDX2 is on the minus strand). VCF-style: chr19-10310551-C-A. GRCh37 (hg19) VCF-style: chr19-10421227-C-A.
Other names: c.496G>T (NM_001031734.4); short protein forms E163*.
Identifiers: ClinVar variation 4855146 (VCV004855146.1).